The following is an entry in ClinVar:

NM_005045.4(RELN):c.4747+5G>A

Gene: RELN (reelin; minus strand). Cytogenetic location: 7q22.1.
Variant type: single nucleotide variant.
Coding change: c.4747+5G>A on transcript NM_005045.4 (MANE Select); 5 bases into the intron after coding-DNA position 4747, G replaced by A.
Molecular consequence: intron variant.
Genome position (GRCh38, 1-based): chr7:103,566,596, C>T on the plus strand (G>A on the coding strand, the complement: RELN is on the minus strand). VCF-style: chr7-103566596-C-T. GRCh37 (hg19) VCF-style: chr7-103207043-C-T.
Other names: c.4747+5G>A (NM_173054.3).
Identifiers: ClinVar variation 3025615 (VCV003025615.22), dbSNP rs1304484429, ClinGen allele CA830806599.
Genomic context (GRCh38, chr7:103,566,596, plus strand): 5'-CAAGGTGGGTATGGATACTTCATGACCTAAAAGCTACCAGAAAGCTGGAGTGAGCAGTAA[C>T]TTACCATGTTGCGGTTGCCACCATCGAAATGCCGTTGCAGGTGTCTTCGCGTCCTGTGGC-3'

ClinVar aggregate classification (germline): Uncertain significance (1 of 4 stars; one submission).

Allele frequency attached by ClinVar (database versions not stated): gnomAD exomes below 0.00001; gnomAD 0.00001.
gnomAD v4.1: 3 of 1,613,986 alleles (0.00019%); highest among the groups gnomAD compares: Non-Finnish European, 0.00025%; no homozygotes.

Submission:

CeGaT Center for Human Genetics Tuebingen
Classification: Uncertain significance. Last evaluated: 2023-12-01. Review status: criteria provided, single submitter. Criteria: CeGaT Center For Human Genetics Tuebingen Variant Classification Criteria Version 2. Collection method: clinical testing. Allele origin: germline. Affected: yes. Observed: 1 variant allele.
Comment: RELN: PM2, BP4